The following is an entry in ClinVar:

NC_000005.10:g.112707368G>T

Gene: APC (APC regulator of Wnt signaling pathway; plus strand). Cytogenetic location: 5q22.2.
Variant type: single nucleotide variant.
Genome position: GRCh38 VCF-style: chr5-112707368-G-T. GRCh37 (hg19) VCF-style: chr5-112043065-G-T.
Identifiers: ClinVar variation 1021236 (VCV001021236.9), dbSNP rs1320184514, ClinGen allele CA1573442212.
Genomic context (GRCh38, chr5:112,707,368, plus strand): 5'-TGGGCTGCAGCACAATTCAGAGAAGGCCAGTAAGTGCTGCAACTGAGACTCGGCTGCCTA[G>T]GCAGCAATGGCTCACGGGACAGAACAGCGAAGCAGTGCCCGGCAAGCGGAGCGCAGCACC-3'

ClinVar aggregate classification (germline): Uncertain significance (1 of 4 stars; one submission).

Conditions:
Familial adenomatous polyposis 1 (FAP1). Also called: POLYPOSIS, ADENOMATOUS INTESTINAL; FAMILIAL ADENOMATOUS POLYPOSIS 1, ATTENUATED. Identifiers: MedGen C2713442, MONDO:0021056, OMIM 175100. Disease mechanism: loss of function.

Submission:

Labcorp Genetics (formerly Invitae), Labcorp
Classification: Uncertain significance for Familial adenomatous polyposis 1. Last evaluated: 2024-11-06. Review status: criteria provided, single submitter. Criteria: Invitae Variant Classification Sherloc (09022015). Collection method: clinical testing. Allele origin: germline.
Comment: This variant occurs in a non-coding region of the APC gene. It does not change the encoded amino acid sequence of the APC protein. This variant is not present in population databases (gnomAD no frequency). This variant has not been reported in the literature in individuals affected with APC-related conditions. Experimental studies and prediction algorithms are not available or were not evaluated, and the functional significance of this variant is currently unknown. In summary, the available evidence is currently insufficient to determine the role of this variant in disease. Therefore, it has been classified as a Variant of Uncertain Significance.